The following is an entry in ClinVar:

NM_000059.4(BRCA2):c.1780A>T (p.Ile594Leu)

Gene: BRCA2 (BRCA2 DNA repair associated; plus strand). Cytogenetic location: 13q13.1.
Variant type: single nucleotide variant.
Coding change: c.1780A>T on transcript NM_000059.4 (MANE Select); coding-DNA position 1780, A replaced by T.
Protein change: p.Ile594Leu; replaces isoleucine 594 with leucine.
Molecular consequence: missense variant.
Genome position (GRCh38, 1-based): chr13:32,333,258, A>T. VCF-style: chr13-32333258-A-T. GRCh37 (hg19) VCF-style: chr13-32907395-A-T.
Other names: short protein forms I594L.
Identifiers: ClinVar variation 219900 (VCV000219900.23), dbSNP rs431825287, ClinGen allele CA348739.

ClinVar aggregate classification (germline): Conflicting classifications of pathogenicity. Review status: criteria provided, conflicting classifications (1 of 4 stars). 6 submissions from 6 submitters: Uncertain significance (5); Likely benign (1). Last evaluated 2025-10-01.

Conditions:
Hereditary cancer-predisposing syndrome. Also called: Tumor predisposition; Hereditary neoplastic syndrome; Neoplastic Syndromes, Hereditary; Hereditary Cancer Syndrome. Identifiers: Orphanet 140162, MedGen C0027672, MeSH D009386, MONDO:0015356.
Hereditary breast ovarian cancer syndrome. Also called: Hereditary breast and ovarian cancer; BRCA1- and BRCA2-Associated Hereditary Breast and Ovarian Cancer; Hereditary breast and/or ovarian cancer syndrome; Hereditary breast and ovarian cancer syndrome; Hereditary breast and ovarian cancer syndrome (HBOC); Breast and ovarian cancer. Identifiers: Orphanet 145, MedGen C0677776, MeSH D061325, MONDO:0003582. Disease mechanism: loss of function.
Breast-ovarian cancer, familial, susceptibility to, 2 (BROVCA2). Also called: BRCA2 Hereditary Breast and Ovarian Cancer. Identifiers: Orphanet 145, MedGen C2675520, MONDO:0012933, OMIM 612555. Disease mechanism: loss of function.

Allele frequency attached by ClinVar (database versions not stated): gnomAD 0.00001.
gnomAD v4.1: 3 of 1,609,914 alleles (0.00019%); highest among the groups gnomAD compares: Non-Finnish European, 0.00025%; no homozygotes.

Submissions (6):

Ambry Genetics
Classification: Uncertain significance for Hereditary cancer-predisposing syndrome. Last evaluated: 2025-10-01. Review status: criteria provided, single submitter. Criteria: Ambry Variant Classification Scheme 2023. Collection method: clinical testing. Allele origin: germline.
Comment: The p.I594L variant (also known as c.1780A>T), located in coding exon 9 of the BRCA2 gene, results from an A to T substitution at nucleotide position 1780. The isoleucine at codon 594 is replaced by leucine, an amino acid with highly similar properties. This amino acid position is not well conserved in available vertebrate species. In addition, this alteration is predicted to be tolerated by in silico analysis. Since supporting evidence is limited at this time, the clinical significance of this alteration remains unclear.

Labcorp Genetics (formerly Invitae), Labcorp
Classification: Uncertain significance for Hereditary breast ovarian cancer syndrome. Last evaluated: 2023-12-23. Review status: criteria provided, single submitter. Criteria: Invitae Variant Classification Sherloc (09022015). Collection method: clinical testing. Allele origin: germline.
Comment: This sequence change replaces isoleucine, which is neutral and non-polar, with leucine, which is neutral and non-polar, at codon 594 of the BRCA2 protein (p.Ile594Leu). This variant is present in population databases (no rsID available, gnomAD 0.007%). This missense change has been observed in individual(s) with pancreatic adenocarcinoma (PMID: 31469826). ClinVar contains an entry for this variant (Variation ID: 219900). Advanced modeling of protein sequence and biophysical properties (such as structural, functional, and spatial information, amino acid conservation, physicochemical variation, residue mobility, and thermodynamic stability) performed at Invitae indicates that this missense variant is not expected to disrupt BRCA2 protein function with a negative predictive value of 95%. In summary, the available evidence is currently insufficient to determine the role of this variant in disease. Therefore, it has been classified as a Variant of Uncertain Significance.

University of Washington Department of Laboratory Medicine, University of Washington
Classification: Likely benign for Hereditary cancer-predisposing syndrome. Last evaluated: 2023-03-23. Review status: criteria provided, single submitter. Criteria: Dines et al. (Genet Med. 2020). Collection method: curation. Allele origin: germline.
Comment: Missense variant in a coldspot region where missense variants are very unlikely to be pathogenic (PMID:31911673).

BRCA2 exon 10 coldspot. Reclassification based on statistical prior probability.

GeneDx
Classification: Uncertain significance. Last evaluated: 2022-09-23. Review status: criteria provided, single submitter. Criteria: GeneDx Variant Classification Process June 2021. Collection method: clinical testing. Allele origin: germline. Affected: yes.
Comment: Not observed at significant frequency in large population cohorts (gnomAD); In silico analysis supports that this missense variant does not alter protein structure/function; Has not been previously published as pathogenic or benign to our knowledge; Also known as 2008A>T

Color Diagnostics, LLC DBA Color Health
Classification: Uncertain significance for Hereditary cancer-predisposing syndrome. Last evaluated: 2021-03-17. Review status: criteria provided, single submitter. Criteria: ACMG Guidelines, 2015. Collection method: clinical testing. Allele origin: germline.
Comment: This missense variant replaces isoleucine with leucine at codon 594 of the BRCA2 protein. Computational prediction suggests that this variant may not impact protein structure and function (internally defined REVEL score threshold <= 0.5, PMID: 27666373). To our knowledge, functional studies have not been reported for this variant. This variant has been reported in an individual affected with pancreatic cancer (PMID: 31469826). This variant has been identified in 1/31400 chromosomes in the general population by the Genome Aggregation Database (gnomAD). The available evidence is insufficient to determine the role of this variant in disease conclusively. Therefore, this variant is classified as a Variant of Uncertain Significance.

Institute of Human Genetics, University of Leipzig Medical Center
Classification: Uncertain significance for Breast-ovarian cancer, familial, susceptibility to, 2. Last evaluated: 2021-01-05. Review status: criteria provided, single submitter. Criteria: ACMG Guidelines, 2015. Collection method: clinical testing. Allele origin: unknown. Affected: yes.

Literature cited by the submitters: PubMed 31469826 (cited by Labcorp Genetics (formerly Invitae), Labcorp).